The following is an entry in ClinVar:

NM_170707.4(LMNA):c.1907G>A (p.Ser636Asn)

Gene: LMNA (lamin A/C; plus strand). Cytogenetic location: 1q22.
Variant type: single nucleotide variant.
Coding change: c.1907G>A on transcript NM_170707.4 (MANE Select); coding-DNA position 1907, G replaced by A.
Protein change: p.Ser636Asn; replaces serine 636 with asparagine.
Molecular consequence: missense variant. On other transcripts: intron variant (1).
Genome position (GRCh38, 1-based): chr1:156,138,696, G>A. VCF-style: chr1-156138696-G-A. GRCh37 (hg19) VCF-style: chr1-156108487-G-A.
Other names: c.1571G>A, p.Ser524Asn (NM_001257374.3); c.1817G>A, p.Ser606Asn (NM_170708.4); c.1818+89G>A (NM_001282626.2); short protein forms S524N, S606N, S636N.
Identifiers: ClinVar variation 1062693 (VCV001062693.9), dbSNP rs2102902387, ClinGen allele CA342827797.
Genomic context (GRCh38, chr1:156,138,696, plus strand): 5'-CTGCCTCCAGTGTCACGGTCACTCGCAGCTACCGCAGTGTGGGGGGCAGTGGGGGTGGCA[G>A]CTTCGGGGACAATCTGGTCACCCGCTCCTACCTCCTGGGCAACTCCAGCCCCCGAACCCA-3'
Protein context (NP_733821.1, residues 626-646): YRSVGGSGGG[Ser636Asn]FGDNLVTRSY

ClinVar aggregate classification (germline): Uncertain significance (1 of 4 stars; one submission).

Conditions:
Charcot-Marie-Tooth disease type 2. Also called: Charcot-Marie-Tooth type 2. Identifiers: Orphanet 64746, MedGen C0270914, MONDO:0018993.

Submission:

Labcorp Genetics (formerly Invitae), Labcorp
Classification: Uncertain significance for Charcot-Marie-Tooth disease type 2. Last evaluated: 2022-01-06. Review status: criteria provided, single submitter. Criteria: Invitae Variant Classification Sherloc (09022015). Collection method: clinical testing. Allele origin: germline.
Comment: In summary, the available evidence is currently insufficient to determine the role of this variant in disease. Therefore, it has been classified as a Variant of Uncertain Significance. Algorithms developed to predict the effect of missense changes on protein structure and function are either unavailable or do not agree on the potential impact of this missense change (SIFT: "Deleterious"; PolyPhen-2: "Benign"; Align-GVGD: "Class C0"). ClinVar contains an entry for this variant (Variation ID: 1062693). This variant has not been reported in the literature in individuals affected with LMNA-related conditions. This variant is not present in population databases (gnomAD no frequency). This sequence change replaces serine, which is neutral and polar, with asparagine, which is neutral and polar, at codon 636 of the LMNA protein (p.Ser636Asn).